The following is an entry in ClinVar:

NM_002693.3(POLG):c.158_159insGC (p.Gln54fs)

Genes: POLG (DNA polymerase gamma, catalytic subunit; minus strand), POLGARF (POLG alternative reading frame; minus strand). Cytogenetic location: 15q26.1.
Variant type: Insertion.
Coding change: c.158_159insGC on transcript NM_002693.3 (MANE Select); coding-DNA positions 158 to 159, GC inserted.
Protein change: p.Gln54fs; shifts the reading frame from glutamine 54.
Molecular consequence: frameshift variant.
Genome position: GRCh38 VCF-style: chr15-89333596-T-TGC. GRCh37 (hg19) VCF-style: chr15-89876827-T-TGC.
Other names: c.158_159insGC, p.Gln54fs (NM_001126131.2); short protein forms Q54fs.
Identifiers: ClinVar variation 2677951 (VCV002677951.2), dbSNP rs2055626493, ClinGen allele CA972594323.
Genomic context (GRCh38, chr15:89,333,596, plus strand): 5'-TGGGTTGTGCCGCAGCTGCCCGCCCTCCGAGGATAGCACTTGCGGCTGCTGAGGCTGCTG[T>TGC]TGCTGCTGCTGCTGCTGCTGCTGCTGCTGCTGCCGCCGCCGCTGCCCGTCGCTGGGGTCG-3'

ClinVar aggregate classification (germline): Pathogenic/Likely pathogenic. Review status: criteria provided, multiple submitters, no conflicts (2 of 4 stars). 2 submissions from 2 submitters: Pathogenic (1); Likely pathogenic (1). Last evaluated 2025-09-07.

Conditions:
POLG-related disorder. Also called: POLG-Related Spectrum Disorders; POLG-related condition; POLG-Related Disorders. Identifiers: MedGen C4763519.
Progressive sclerosing poliodystrophy (MTDPS4A). Also called: NEURONAL DEGENERATION OF CHILDHOOD WITH LIVER DISEASE, PROGRESSIVE; ALPERS PROGRESSIVE INFANTILE POLIODYSTROPHY; ALPERS DIFFUSE DEGENERATION OF CEREBRAL GRAY MATTER WITH HEPATIC CIRRHOSIS; Alpers-Huttenlocher Syndrome; Alpers Syndrome; Mitochondrial DNA depletion syndrome 4A (Alpers type). Identifiers: Orphanet 726, MedGen C0205710, MONDO:0008758, OMIM 203700.

Allele frequency attached by ClinVar (database versions not stated): gnomAD 0.00001.

Submissions (2):

Myriad Genetics, Inc.
Classification: Pathogenic for POLG-related disorder. Last evaluated: 2025-09-07. Review status: criteria provided, single submitter. Criteria: Myriad Autosomal Dominant, Autosomal Recessive and X-Linked Classification Criteria (2023). Collection method: clinical testing. Allele origin: unknown.
Comment: NM_002693.2(POLG):c.158_159insGC(Q54Hfs*213) is expected to be pathogenic in the context of POLG-related disorders. This variant is predicted to lead to an abnormal or absent protein product due to the creation of a premature termination codon in POLG, a gene where loss-of-function variants are known to be pathogenic. Please note: this variant was assessed in the context of healthy population screening.

Baylor Genetics
Classification: Likely pathogenic for Progressive sclerosing poliodystrophy. Last evaluated: 2023-05-29. Review status: criteria provided, single submitter. Criteria: ACMG Guidelines, 2015. Collection method: clinical testing. Allele origin: unknown.